The following is an entry in ClinVar:

ClinVar aggregate classification (germline): Pathogenic (1 of 4 stars; one submission).

Conditions:
Charcot-Marie-Tooth disease type 4. Also called: Charcot-Marie-Tooth, Type 4; Charcot-Marie-Tooth disease, type IV. Identifiers: Orphanet 64749, MedGen C4082197, MONDO:0018995.

Submission:

Labcorp Genetics (formerly Invitae), Labcorp
Classification: Pathogenic for Charcot-Marie-Tooth disease type 4. Last evaluated: 2021-10-15. Review status: criteria provided, single submitter. Criteria: Invitae Variant Classification Sherloc (09022015). Collection method: clinical testing. Allele origin: germline.
Comment: This variant has not been reported in the literature in individuals with SH3TC2-related conditions. Loss-of-function variants in SH3TC2 are known to be pathogenic (PMID: 20220177, 27068304). For these reasons, this variant has been classified as Pathogenic. This variant is not present in population databases (ExAC no frequency). This sequence change creates a premature translational stop signal (p.Cys1026*) in the SH3TC2 gene. It is expected to result in an absent or disrupted protein product.

Literature cited by the submitters: PubMed 20220177; PubMed 27068304.

NM_024577.4(SH3TC2):c.3078C>A (p.Cys1026Ter)

Gene: SH3TC2 (SH3 domain and tetratricopeptide repeats 2; minus strand). Cytogenetic location: 5q32.
Variant type: single nucleotide variant.
Coding change: c.3078C>A on transcript NM_024577.4 (MANE Select); coding-DNA position 3078, C replaced by A.
Protein change: p.Cys1026Ter; replaces cysteine 1026 with a stop codon.
Molecular consequence: nonsense.
Genome position (GRCh38, 1-based): chr5:149,012,710, G>T on the plus strand (C>A on the coding strand, the complement: SH3TC2 is on the minus strand). VCF-style: chr5-149012710-G-T. GRCh37 (hg19) VCF-style: chr5-148392273-G-T.
Other names: short protein forms C1026*.
Identifiers: ClinVar variation 1070097 (VCV001070097.7), dbSNP rs2127393407, ClinGen allele CA361663129.
Genomic context (GRCh38, chr5:149,012,710, plus strand): 5'-GGCCTCAGCAGCCTTGTCTGTCTCCCCCAGGTCAATGAAGATACGCAGGCTCTCCTTGAT[G>T]CATGTGAGTGACCTCCTGAGGGACCTGGGGACAGACATGAACTTGTGAGGTGTGAAGGCT-3'